The following is an entry in ClinVar:

NM_000459.5(TEK):c.3309G>A (p.Val1103=)

Gene: TEK (TEK receptor tyrosine kinase; plus strand). Cytogenetic location: 9p21.2.
Variant type: single nucleotide variant.
Coding change: c.3309G>A on transcript NM_000459.5 (MANE Select); coding-DNA position 3309, G replaced by A.
Protein change: p.Val1103=; no amino-acid change (valine 1103 retained).
Molecular consequence: synonymous variant.
Genome position (GRCh38, 1-based): chr9:27,229,166, G>A. VCF-style: chr9-27229166-G-A. GRCh37 (hg19) VCF-style: chr9-27229164-G-A.
Other names: p.Val1103=; c.3180G>A, p.Val1060= (NM_001290077.2); c.2865G>A, p.Val955= (NM_001290078.2); c.3306G>A, p.Val1102= (NM_001375475.1); c.3177G>A, p.Val1059= (NM_001375476.1); c.3309G>A (NM_000459.4).
Identifiers: ClinVar variation 914323 (VCV000914323.33), dbSNP rs199954698, ClinGen allele CA5016831.

ClinVar aggregate classification (germline): Benign/Likely benign. Review status: criteria provided, multiple submitters, no conflicts (2 of 4 stars). 5 submissions from 5 submitters: Benign (1); Likely benign (4). Last evaluated 2025-10-31.

Conditions:
Multiple cutaneous and mucosal venous malformations (VMCM). Also called: TEK-Related Multiple Cutaneous and Mucosal Venous Malformations (VMCM). Identifiers: Orphanet 2451, MedGen C1838437, MONDO:0010842, OMIM 600195.

Allele frequency attached by ClinVar (database versions not stated): ExAC 0.00014; gnomAD 0.00014 and 0.00015; TOPMed 0.00014; gnomAD exomes 0.00017; ESP Exome Variant Server 0.00023.
gnomAD v4.1: 230 of 1,613,778 alleles (0.014%); highest among the groups gnomAD compares: Middle Eastern, 0.23%; 1 homozygote.

Submissions (5):

Labcorp Genetics (formerly Invitae), Labcorp
Classification: Likely benign. Last evaluated: 2025-10-31. Review status: criteria provided, single submitter. Criteria: Invitae Variant Classification Sherloc (09022015). Collection method: clinical testing. Allele origin: germline.

Mayo Clinic Laboratories, Mayo Clinic
Classification: Likely benign. Last evaluated: 2025-09-20. Review status: criteria provided, single submitter. Criteria: ACMG Guidelines, 2015. Collection method: clinical testing. Allele origin: germline. Observed: 2 variant alleles.
Comment: BP4, BP7

CeGaT Center for Human Genetics Tuebingen
Classification: Likely benign. Last evaluated: 2025-06-01. Review status: criteria provided, single submitter. Criteria: CeGaT Center For Human Genetics Tuebingen Variant Classification Criteria Version 2. Collection method: clinical testing. Allele origin: germline. Affected: yes. Observed: 2 variant alleles.
Comment: TEK: BP4

Blueprint Genetics
Classification: Likely benign. Last evaluated: 2024-11-22. Review status: criteria provided, single submitter. Criteria: ACMG Guidelines, 2015. Collection method: clinical testing. Allele origin: germline.

Illumina Laboratory Services, Illumina
Classification: Benign for Multiple cutaneous and mucosal venous malformations. Last evaluated: 2018-01-13. Review status: criteria provided, single submitter. Criteria: ICSL Variant Classification Criteria 13 December 2019. Collection method: clinical testing. Allele origin: germline.
Comment: This variant was observed in the ICSL laboratory as part of a predisposition screen in an ostensibly healthy population. It had not been previously curated by ICSL or reported in the Human Gene Mutation Database (HGMD: prior to June 1st, 2018), and was therefore a candidate for classification through an automated scoring system. Utilizing variant allele frequency, disease prevalence and penetrance estimates, and inheritance mode, an automated score was calculated to assess if this variant is too frequent to cause the disease. Based on the score and internal cut-off values, a variant classified as benign is not then subjected to further curation. The score for this variant resulted in a classification of benign for this disease.